The following is an entry in ClinVar:

ClinVar aggregate classification (germline): Uncertain significance (1 of 4 stars; one submission).

Conditions:
Tuberous sclerosis 1 (TSC1). Identifiers: Orphanet 805, MedGen C1854465, MONDO:0008612, OMIM 191100.

Submission:

Labcorp Genetics (formerly Invitae), Labcorp
Classification: Uncertain significance for Tuberous sclerosis 1. Last evaluated: 2021-01-28. Review status: criteria provided, single submitter. Criteria: Invitae Variant Classification Sherloc (09022015). Collection method: clinical testing. Allele origin: germline.
Comment: In summary, the available evidence is currently insufficient to determine the role of this variant in disease. Therefore, it has been classified as a Variant of Uncertain Significance. Algorithms developed to predict the effect of sequence changes on RNA splicing suggest that this variant may disrupt the consensus splice site, but this prediction has not been confirmed by published transcriptional studies. This variant has not been reported in the literature in individuals with TSC1-related conditions. This variant is not present in population databases (ExAC no frequency). This sequence change falls in intron 4 of the TSC1 gene. It does not directly change the encoded amino acid sequence of the TSC1 protein.

NM_000368.5(TSC1):c.211-18_211-10dup

Gene: TSC1 (TSC complex subunit 1; minus strand). Cytogenetic location: 9q34.13.
Variant type: Duplication.
Coding change: c.211-18_211-10dup on transcript NM_000368.5 (MANE Select); 18 bases into the intron before coding-DNA position 211 through 10 bases into the intron before coding-DNA position 211, 9 bases duplicated (GTTCTTTTA; older notation c.211-18_211-10dupGTTCTTTTA).
Molecular consequence: intron variant.
Genome position (GRCh38, 1-based): chr9:132,925,749-132,925,757, TAAAAGAAC duplicated on the plus strand (GTTCTTTTA on the coding strand, the reverse complement: TSC1 is on the minus strand). VCF-style (leftmost placement, unchanged base first): chr9-132925748-G-GTAAAAGAAC. GRCh37 (hg19) VCF-style: chr9-135801135-G-GTAAAAGAAC.
Other names: c.-153-18_-153-10dup (NM_001362177.2); c.210+1444_210+1452dup (NM_001162427.2); c.211-18_211-10dup (NM_001162426.2).
Identifiers: ClinVar variation 1480050 (VCV001480050.8), dbSNP rs2132240395, ClinGen allele CA2573144228.